The following is an entry in ClinVar:

ClinVar aggregate classification (germline): Likely benign (0 of 4 stars; one submission).

Conditions:
MACF1-related disorder. Also called: MACF1-related condition.

Allele frequency attached by ClinVar (database versions not stated): ExAC 0.00001; gnomAD exomes 0.00001.
gnomAD v4.1: 33 of 1,612,892 alleles (0.002%); highest among the groups gnomAD compares: Admixed American, 0.018%; no homozygotes.

Submission:

PreventionGenetics, part of Exact Sciences
Classification: Likely benign for MACF1-related condition. Last evaluated: 2020-01-13. Review status: no assertion criteria provided. Collection method: clinical testing. Allele origin: germline.
Comment: This variant is classified as likely benign based on ACMG/AMP sequence variant interpretation guidelines (Richards et al. 2015 PMID: 25741868, with internal and published modifications).

NM_001394062.1(MACF1):c.21735C>T (p.Ile7245=)

Gene: MACF1 (microtubule actin crosslinking factor 1; plus strand). Cytogenetic location: 1p34.3.
Variant type: single nucleotide variant.
Coding change: c.21735C>T on transcript NM_001394062.1 (MANE Select); coding-DNA position 21735, C replaced by T.
Protein change: p.Ile7245=; no amino-acid change (isoleucine 7245 retained).
Molecular consequence: synonymous variant.
Genome position (GRCh38, 1-based): chr1:39,463,668, C>T. VCF-style: chr1-39463668-C-T. GRCh37 (hg19) VCF-style: chr1-39929340-C-T.
Other names: c.9813C>T, p.Ile3271= (NM_001397473.1); c.15558C>T, p.Ile5186= (NM_012090.5).
Identifiers: ClinVar variation 3051213 (VCV003051213.2), dbSNP rs770919089, ClinGen allele CA784720.
Genomic context (GRCh38, chr1:39,463,668, plus strand): 5'-ATAGGTTACAAGACAAGTGGCTCAGTGCAAATGTGCAAAAAGGTTTCAGGTGGAGCAGAT[C>T]GGAGAGAATAAATACCGGGTAAGGAAGAGAAAAAGCAGTCCTTTGTTGTGGTGGTTTCTC-3'
Protein context (NP_001380991.1, residues 7235-7255): KCAKRFQVEQ[Ile7245=]GENKYRFFLG